The following is an entry in ClinVar:

ClinVar aggregate classification (germline): Pathogenic (1 of 4 stars; one submission).

Conditions:
RASopathy. Also called: rasopathies; Noonan spectrum disorder. Identifiers: Orphanet 536391, MedGen C5555857, MONDO:0021060.

Submission:

Labcorp Genetics (formerly Invitae), Labcorp
Classification: Pathogenic for RASopathy. Last evaluated: 2025-09-02. Review status: criteria provided, single submitter. Criteria: Invitae Variant Classification Sherloc (09022015). Collection method: clinical testing. Allele origin: germline.
Comment: This sequence change replaces methionine, which is neutral and non-polar, with leucine, which is neutral and non-polar, at codon 72 of the KRAS protein (p.Met72Leu). This variant is not present in population databases (gnomAD no frequency). This missense change has been observed in individual(s) with Noonan syndrome (PMID: 22488932, 35979676). In at least one individual the variant was observed to be de novo. It has also been observed to segregate with disease in related individuals. ClinVar contains an entry for this variant (Variation ID: 1016209). Invitae Evidence Modeling incorporating data from in vitro experimental studies (internal data) indicates that this missense variant is expected to disrupt KRAS function with a positive predictive value of 95%. For these reasons, this variant has been classified as Pathogenic.

Literature cited by the submitters: PubMed 22488932; PubMed 35979676.

NM_004985.5(KRAS):c.214A>C (p.Met72Leu)

Gene: KRAS (KRAS proto-oncogene, GTPase; minus strand). Cytogenetic location: 12p12.1.
Variant type: single nucleotide variant.
Coding change: c.214A>C on transcript NM_004985.5 (MANE Select); coding-DNA position 214, A replaced by C.
Protein change: p.Met72Leu; replaces methionine 72 with leucine.
Molecular consequence: missense variant.
Genome position (GRCh38, 1-based): chr12:25,227,310, T>G on the plus strand (A>C on the coding strand, the complement: KRAS is on the minus strand). VCF-style: chr12-25227310-T-G. GRCh37 (hg19) VCF-style: chr12-25380244-T-G.
Other names: c.214A>C, p.Met72Leu (NM_001369786.1, NM_001369787.1, NM_033360.4); short protein forms M72L.
Identifiers: ClinVar variation 1016209 (VCV001016209.6), dbSNP rs727504662, ClinGen allele CA384151976.